The following is an entry in ClinVar:

ClinVar aggregate classification (germline): Benign (1 of 4 stars; one submission).

Allele frequency attached by ClinVar (database versions not stated): gnomAD 0.04237 and 0.04519; 1000 Genomes Project 0.04353; 1000 Genomes Project 30x 0.04794; TOPMed 0.04807.
gnomAD v4.1: 6,383 of 152,102 alleles (4.2%); highest among the groups gnomAD compares: African/African-American, 15%; 427 homozygotes.

Submission:

GeneDx
Classification: Benign. Last evaluated: 2018-06-14. Review status: criteria provided, single submitter. Criteria: GeneDx Variant Classification (06012015). Collection method: clinical testing. Allele origin: germline. Affected: yes.
Comment: This variant is considered likely benign or benign based on one or more of the following criteria: it is a conservative change, it occurs at a poorly conserved position in the protein, it is predicted to be benign by multiple in silico algorithms, and/or has population frequency not consistent with disease.

NM_024529.5(CDC73):c.908-216G>A

Gene: CDC73 (cell division cycle 73; plus strand). Cytogenetic location: 1q31.2.
Variant type: single nucleotide variant.
Coding change: c.908-216G>A on transcript NM_024529.5 (MANE Select); 216 bases into the intron before coding-DNA position 908, G replaced by A.
Molecular consequence: intron variant.
Genome position (GRCh38, 1-based): chr1:193,152,164, G>A. VCF-style: chr1-193152164-G-A. GRCh37 (hg19) VCF-style: chr1-193121294-G-A.
Identifiers: ClinVar variation 677751 (VCV000677751.1), dbSNP rs74130925, ClinGen allele CA34380687.